The following is an entry in ClinVar:

NM_003494.4(DYSF):c.88G>C (p.Gly30Arg)

Gene: DYSF (dysferlin; plus strand). Cytogenetic location: 2p13.2.
Variant type: single nucleotide variant.
Coding change: c.88G>C on transcript NM_003494.4 (MANE Plus Clinical); coding-DNA position 88, G replaced by C.
Protein change: p.Gly30Arg; replaces glycine 30 with arginine.
Molecular consequence: missense variant.
Genome position (GRCh38, 1-based): chr2:71,454,086, G>C. VCF-style: chr2-71454086-G-C. GRCh37 (hg19) VCF-style: chr2-71681216-G-C.
Other names: c.88G>C, p.Gly30Arg (NM_001130976.2, NM_001130977.2, NM_001130978.2 and 3 more transcripts); short protein forms G30R.
Identifiers: ClinVar variation 1473551 (VCV001473551.8), dbSNP rs767637508, ClinGen allele CA1705179.

ClinVar aggregate classification (germline): Uncertain significance (1 of 4 stars; one submission).

Conditions:
Neuromuscular disease caused by qualitative or quantitative defects of dysferlin. Also called: Dysferlinopathy; Qualitative or quantitative defects of dysferlin. Identifiers: Orphanet 207073, MedGen C2931687, MONDO:0016145.

Allele frequency attached by ClinVar (database versions not stated): ExAC 0.00001; TOPMed below 0.00001; gnomAD exomes below 0.00001.
gnomAD v4.1: 1 of 1,613,764 alleles (0.000062%); highest among the groups gnomAD compares: Admixed American, 0.0017%; no homozygotes.

Submission:

Labcorp Genetics (formerly Invitae), Labcorp
Classification: Uncertain significance for Neuromuscular disease caused by qualitative or quantitative defects of dysferlin. Last evaluated: 2025-09-08. Review status: criteria provided, single submitter. Criteria: Invitae Variant Classification Sherloc (09022015). Collection method: clinical testing. Allele origin: germline.
Comment: This sequence change replaces glycine, which is neutral and non-polar, with arginine, which is basic and polar, at codon 30 of the DYSF protein (p.Gly30Arg). This variant also falls at the last nucleotide of exon 1, which is part of the consensus splice site for this exon. This variant is present in population databases (rs767637508, gnomAD 0.003%). This variant has not been reported in the literature in individuals affected with DYSF-related conditions. ClinVar contains an entry for this variant (Variation ID: 1473551). An algorithm developed to predict the effect of missense changes on protein structure and function (PolyPhen-2) suggests that this variant is likely to be disruptive. Variants that disrupt the consensus splice site are a relatively common cause of aberrant splicing (PMID: 17576681, 9536098). Algorithms developed to predict the effect of sequence changes on RNA splicing suggest that this variant may disrupt the consensus splice site. In summary, the available evidence is currently insufficient to determine the role of this variant in disease. Therefore, it has been classified as a Variant of Uncertain Significance.

Literature cited by the submitters: PubMed 17576681; PubMed 9536098.